The following is an entry in ClinVar:

ClinVar aggregate classification (germline): Uncertain significance (1 of 4 stars; one submission).

Conditions:
Spastic paraplegia. Identifiers: MedGen C0037772, HP:0001258.

Submission:

Labcorp Genetics (formerly Invitae), Labcorp
Classification: Uncertain significance for Spastic paraplegia. Last evaluated: 2018-09-20. Review status: criteria provided, single submitter. Criteria: Invitae Variant Classification Sherloc (09022015). Collection method: clinical testing. Allele origin: germline.
Comment: This variant has not been reported in the literature in individuals with GBA2-related disease. This variant is not present in population databases (ExAC no frequency). This sequence change replaces arginine with leucine at codon 87 of the GBA2 protein (p.Arg87Leu). The arginine residue is moderately conserved and there is a moderate physicochemical difference between arginine and leucine. Algorithms developed to predict the effect of missense changes on protein structure and function are either unavailable or do not agree on the potential impact of this missense change (SIFT: "Deleterious"; PolyPhen-2: "Probably Damaging"; Align-GVGD: "Class C0"). In summary, the available evidence is currently insufficient to determine the role of this variant in disease. Therefore, it has been classified as a Variant of Uncertain Significance.

NM_020944.3(GBA2):c.260G>T (p.Arg87Leu)

Gene: GBA2 (glucosylceramidase beta 2; minus strand). Cytogenetic location: 9p13.3.
Variant type: single nucleotide variant.
Coding change: c.260G>T on transcript NM_020944.3 (MANE Select); coding-DNA position 260, G replaced by T.
Protein change: p.Arg87Leu; replaces arginine 87 with leucine.
Molecular consequence: missense variant.
Genome position (GRCh38, 1-based): chr9:35,748,445, C>A on the plus strand (G>T on the coding strand, the complement: GBA2 is on the minus strand). VCF-style: chr9-35748445-C-A. GRCh37 (hg19) VCF-style: chr9-35748442-C-A.
Other names: c.260G>T, p.Arg87Leu (NM_001330660.2); short protein forms R87L.
Identifiers: ClinVar variation 657738 (VCV000657738.8), dbSNP rs776095931, ClinGen allele CA373420519.
Genomic context (GRCh38, chr9:35,748,445, plus strand): 5'-GAGACGTTGTTAGCTTGAAAGGGTTTCCTCTTCTCTGTAAACTCATGAGCCAGACAGATG[C>A]GCCAGCCAAAGGGAGGCACCTGGTAGCCCATAGCTTTACCCTCATAGGAAACCATCAGCT-3'
Protein context (NP_065995.1, residues 77-97): MGYQVPPFGW[Arg87Leu]ICLAHEFTEK